The following is an entry in ClinVar:

ClinVar aggregate classification (germline): Pathogenic (1 of 4 stars; one submission).

Conditions:
Fabry disease. Also called: ALPHA-GALACTOSIDASE A DEFICIENCY; ANDERSON-FABRY DISEASE; CERAMIDE TRIHEXOSIDASE DEFICIENCY; GLA DEFICIENCY; HEREDITARY DYSTOPIC LIPIDOSIS; Angiokeratoma corporis diffusum. Identifiers: Orphanet 324, MedGen C0002986, MONDO:0010526, OMIM 301500, HP:0001071. Disease mechanism: Fabry disease is due to inactivating mutations in the X-linked GLA gene resulting in deficiency of the enzyme Alpha Galactosidase-A., loss of function.

Submission:

Genomenon, Inc
Classification: Pathogenic for Fabry disease. Last evaluated: 2026-09-08. Review status: criteria provided, single submitter. Criteria: Genomenon Sequence Variant Interpretation Standards - Updated. Collection method: curation. Allele origin: germline. Affected: yes.
Comment: GLA p.Cys172Phe (c.515G>T) is a missense variant that changes the amino acid at codon 172 from Cysteine to Phenylalanine. This variant has been observed in at least one proband with clinical features consistent with Fabry disease (PMID:11322659). At least one functional study has demonstrated a substantial alteration in protein function relative to the wild-type (PMID:27657681). This variant is located in a mutational hotspot and/or important functional domain. It is absent or not present at a significant frequency in gnomAD. In silico models predict that this variant is possibly or probably damaging. In conclusion, we classify GLA p.Cys172Phe (c.515G>T) as a pathogenic variant.

Literature cited by the submitters: PubMed 11322659; PubMed 27657681.

NM_000169.3(GLA):c.515G>T (p.Cys172Phe)

Genes: GLA (galactosidase alpha; minus strand), RPL36A-HNRNPH2 (RPL36A-HNRNPH2 readthrough; plus strand). Cytogenetic location: Xq22.1.
Variant type: single nucleotide variant.
Coding change: c.515G>T on transcript NM_000169.3 (MANE Select); coding-DNA position 515, G replaced by T.
Protein change: p.Cys172Phe; replaces cysteine 172 with phenylalanine.
Molecular consequence: missense variant. On other transcripts: non-coding transcript variant (3), intron variant (2).
Genome position (GRCh38, 1-based): chrX:101,401,664, C>A on the plus strand (G>T on the coding strand, the complement: GLA is on the minus strand). VCF-style: chrX-101401664-C-A. GRCh37 (hg19) VCF-style: chrX-100656652-C-A.
Other names: c.638G>T, p.Cys213Phe (NM_001406747.1, NM_001406749.1); c.515G>T, p.Cys172Phe (NM_001406748.1); c.300+6207C>A (NM_001199973.2); c.177+9842C>A (NM_001199974.2); short protein forms C172F, C213F.
Identifiers: ClinVar variation 4087406 (VCV004087406.2).
Genomic context (GRCh38, chrX:101,401,664, plus strand): 5'-TGGCTAAATCTCTGGAATGAAACATTACCATCTGCCAAATTTTCCAAACTGTCACAGTAA[C>A]AACCATCAAATTTTAGCAGATCTACTCCCCAGTCAGCAAAGGTCTGGGCATCAATGTCGT-3'
Protein context (NP_000160.1, residues 162-182): WGVDLLKFDG[Cys172Phe]YCDSLENLAD